The following is an entry in ClinVar:

NM_004484.4(GPC3):c.430T>A (p.Phe144Ile)

Gene: GPC3 (glypican 3; minus strand). Cytogenetic location: Xq26.2.
Variant type: single nucleotide variant.
Coding change: c.430T>A on transcript NM_004484.4 (MANE Select); coding-DNA position 430, T replaced by A.
Protein change: p.Phe144Ile; replaces phenylalanine 144 with isoleucine.
Molecular consequence: missense variant.
Genome position (GRCh38, 1-based): chrX:133,754,084, A>T on the plus strand (T>A on the coding strand, the complement: GPC3 is on the minus strand). VCF-style: chrX-133754084-A-T. GRCh37 (hg19) VCF-style: chrX-132888111-A-T.
Other names: c.430T>A, p.Phe144Ile (NM_001164617.2); c.382T>A, p.Phe128Ile (NM_001164618.2); c.268T>A, p.Phe90Ile (NM_001164619.2); short protein forms F144I, F128I, F90I.
Identifiers: ClinVar variation 476655 (VCV000476655.14), dbSNP rs1404574866, ClinGen allele CA414706653.

ClinVar aggregate classification (germline): Conflicting classifications of pathogenicity. Review status: criteria provided, conflicting classifications (1 of 4 stars). 3 submissions from 3 submitters: Uncertain significance (2); Likely benign (1). Last evaluated 2024-12-18.

Conditions:
Wilms tumor 1 (WT1). Also called: Wilms tumor, somatic. Identifiers: Orphanet 654, MedGen CN033288, MONDO:0008679, OMIM 194070.
Inborn genetic diseases. Identifiers: MedGen C0950123, MeSH D030342.

Allele frequency attached by ClinVar (database versions not stated): gnomAD exomes 0.00001 and below 0.00001.
gnomAD v4.1: 1 of 1,206,435 alleles (0.000083%); highest among the groups gnomAD compares: Non-Finnish European, 0.00011%; no homozygotes.

Submissions (3):

Labcorp Genetics (formerly Invitae), Labcorp
Classification: Likely benign for Wilms tumor 1. Last evaluated: 2024-12-18. Review status: criteria provided, single submitter. Criteria: Invitae Variant Classification Sherloc (09022015). Collection method: clinical testing. Allele origin: germline.

Ambry Genetics
Classification: Uncertain significance for Inborn genetic diseases. Last evaluated: 2022-11-08. Review status: criteria provided, single submitter. Criteria: Ambry Variant Classification Scheme 2023. Collection method: clinical testing. Allele origin: germline.

GeneDx
Classification: Uncertain significance. Last evaluated: 2019-08-12. Review status: criteria provided, single submitter. Criteria: GeneDx Variant Classification Process June 2021. Collection method: clinical testing. Allele origin: germline. Affected: yes.
Comment: Not observed at a significant frequency in large population cohorts (Lek et al., 2016); In silico analysis, which includes protein predictors and evolutionary conservation, supports that this variant does not alter protein structure/function; Has not been previously published as pathogenic or benign to our knowledge